The following is an entry in ClinVar:

ClinVar aggregate classification (germline): Uncertain significance (1 of 4 stars; one submission).

Conditions:
Cardiomyopathy (CMYO). Also called: Cardiomyopathies. Identifiers: Orphanet 167848, MedGen C0878544, MONDO:0004994, HP:0001638. Inheritance: Various modes of inheritance.

Allele frequency attached by ClinVar (database versions not stated): gnomAD exomes below 0.00001.
gnomAD v4.1: 1 of 1,613,938 alleles (0.000062%); highest among the groups gnomAD compares: South Asian, 0.0011%; no homozygotes.

Submission:

Color Diagnostics, LLC DBA Color Health
Classification: Uncertain significance for Cardiomyopathy. Last evaluated: 2019-10-28. Review status: criteria provided, single submitter. Criteria: ACMG Guidelines, 2015. Collection method: clinical testing. Allele origin: germline.
Comment: This missense variant replaces leucine with phenylalanine at codon 2638 of the RYR2 protein. Computational prediction tool is inconclusive regarding the impact of this variant on protein structure and function (internally defined REVEL score threshold 0.5 < inconclusive < 0.7, PMID: 27666373). Splice site prediction tools suggest that this variant may not impact RNA splicing. To our knowledge, functional studies have not been performed for this variant. This variant has not been reported in individuals affected with cardiovascular disorders in the literature. This variant has been identified in 1/249208 chromosomes in the general population by the Genome Aggregation Database (gnomAD). The available evidence is insufficient to determine the role of this variant in disease conclusively. Therefore, this variant is classified as a Variant of Uncertain Significance.

NM_001035.3(RYR2):c.7912C>T (p.Leu2638Phe)

Gene: RYR2 (ryanodine receptor 2; plus strand). Cytogenetic location: 1q43.
Variant type: single nucleotide variant.
Coding change: c.7912C>T on transcript NM_001035.3 (MANE Select); coding-DNA position 7912, C replaced by T.
Protein change: p.Leu2638Phe; replaces leucine 2638 with phenylalanine.
Molecular consequence: missense variant.
Genome position (GRCh38, 1-based): chr1:237,654,361, C>T. VCF-style: chr1-237654361-C-T. GRCh37 (hg19) VCF-style: chr1-237817661-C-T.
Other names: short protein forms L2638F.
Identifiers: ClinVar variation 926305 (VCV000926305.3), dbSNP rs1447771527, ClinGen allele CA345400392.